The following is an entry in ClinVar:

NM_020458.4(TTC7A):c.794G>A (p.Arg265Gln)

Gene: TTC7A (tetratricopeptide repeat domain 7A; plus strand). Cytogenetic location: 2p21.
Variant type: single nucleotide variant.
Coding change: c.794G>A on transcript NM_020458.4 (MANE Select); coding-DNA position 794, G replaced by A.
Protein change: p.Arg265Gln; replaces arginine 265 with glutamine.
Molecular consequence: missense variant. On other transcripts: 5 prime UTR variant (1).
Genome position (GRCh38, 1-based): chr2:46,993,479, G>A. VCF-style: chr2-46993479-G-A. GRCh37 (hg19) VCF-style: chr2-47220618-G-A.
Other names: p.Arg265Gln; c.794G>A, p.Arg265Gln (NM_001288951.2, LRG_1323t1); c.692G>A, p.Arg231Gln (NM_001288953.2); c.-111G>A (NM_001288955.2); c.794G>A (NM_001288951.1); short protein forms R231Q, R265Q.
Identifiers: ClinVar variation 644784 (VCV000644784.8), dbSNP rs78745374, ClinGen allele CA1647361.
Genomic context (GRCh38, chr2:46,993,479, plus strand): 5'-AACAAATCTACTTCTGCCGTCCTCCCACCAGGAACATCGTGAAGGGCATGAGAGAGCTCC[G>A]GGAGGTGCTGCGGACTGTGGAGACCAAAGCAACTCAGAACTTCAAAGTGGTAATGTGGGG-3'
Protein context (NP_065191.2, residues 255-275): GNIVKGMREL[Arg265Gln]EVLRTVETKA

ClinVar aggregate classification (germline): Uncertain significance. Review status: criteria provided, multiple submitters, no conflicts (2 of 4 stars). 3 submissions from 3 submitters: Uncertain significance (3). Last evaluated 2024-06-16.

Conditions:
Gastrointestinal defects and immunodeficiency syndrome 1 (GIDID1). Also called: Combined immunodeficiency-enteropathy spectrum. Identifiers: Orphanet 436252, MedGen C5968858, MONDO:0800030, OMIM 243150.
Multiple gastrointestinal atresias. Also called: FAMILIAL INTESTINAL POLYATRESIA SYNDROME; Multiple intestinal atresia. Identifiers: Orphanet 2300, MedGen C0220744, MONDO:0009465.

Allele frequency attached by ClinVar (database versions not stated): gnomAD 0.00014 and 0.00015; ESP Exome Variant Server 0.00015; ExAC 0.00016; gnomAD exomes 0.00016 and 0.00022; TOPMed 0.00017; 1000 Genomes Project 0.00020; 1000 Genomes Project 30x 0.00031.
gnomAD v4.1: 343 of 1,614,182 alleles (0.021%); highest among the groups gnomAD compares: Non-Finnish European, 0.027%; no homozygotes.

Submissions (3):

Fulgent Genetics
Classification: Uncertain significance for Gastrointestinal defects and immunodeficiency syndrome 1. Last evaluated: 2024-06-16. Review status: criteria provided, single submitter. Criteria: ACMG Guidelines, 2015. Collection method: clinical testing. Allele origin: germline.

Mayo Clinic Laboratories, Mayo Clinic
Classification: Uncertain significance. Last evaluated: 2023-02-07. Review status: criteria provided, single submitter. Criteria: ACMG Guidelines, 2015. Collection method: clinical testing. Allele origin: germline. Observed: 1 variant allele.

Labcorp Genetics (formerly Invitae), Labcorp
Classification: Uncertain significance for Multiple gastrointestinal atresias. Last evaluated: 2022-06-27. Review status: criteria provided, single submitter. Criteria: Invitae Variant Classification Sherloc (09022015). Collection method: clinical testing. Allele origin: germline.
Comment: This sequence change replaces arginine, which is basic and polar, with glutamine, which is neutral and polar, at codon 265 of the TTC7A protein (p.Arg265Gln). This variant is present in population databases (rs78745374, gnomAD 0.03%). This variant has not been reported in the literature in individuals affected with TTC7A-related conditions. ClinVar contains an entry for this variant (Variation ID: 644784). Algorithms developed to predict the effect of missense changes on protein structure and function are either unavailable or do not agree on the potential impact of this missense change (SIFT: "Deleterious"; PolyPhen-2: "Probably Damaging"; Align-GVGD: "Class C0"). In summary, the available evidence is currently insufficient to determine the role of this variant in disease. Therefore, it has been classified as a Variant of Uncertain Significance.